The following is an entry in ClinVar:

NM_003632.3(CNTNAP1):c.3808C>T (p.Pro1270Ser)

Gene: CNTNAP1 (contactin associated protein 1; plus strand). Cytogenetic location: 17q21.2.
Variant type: single nucleotide variant.
Coding change: c.3808C>T on transcript NM_003632.3 (MANE Select); coding-DNA position 3808, C replaced by T.
Protein change: p.Pro1270Ser; replaces proline 1270 with serine.
Molecular consequence: missense variant.
Genome position (GRCh38, 1-based): chr17:42,697,793, C>T. VCF-style: chr17-42697793-C-T. GRCh37 (hg19) VCF-style: chr17-40849811-C-T.
Other names: short protein forms P1270S.
Identifiers: ClinVar variation 1713825 (VCV001713825.5), dbSNP rs2543806182, ClinGen allele CA399630482.

ClinVar aggregate classification (germline): Uncertain significance (1 of 4 stars; one submission).

Allele frequency attached by ClinVar (database versions not stated): gnomAD exomes 0.00001.
gnomAD v4.1: 5 of 1,614,136 alleles (0.00031%); highest among the groups gnomAD compares: Non-Finnish European, 0.00042%; no homozygotes.

Submission:

Labcorp Genetics (formerly Invitae), Labcorp
Classification: Uncertain significance. Last evaluated: 2022-07-26. Review status: criteria provided, single submitter. Criteria: Invitae Variant Classification Sherloc (09022015). Collection method: clinical testing. Allele origin: germline.
Comment: In summary, the available evidence is currently insufficient to determine the role of this variant in disease. Therefore, it has been classified as a Variant of Uncertain Significance. Algorithms developed to predict the effect of missense changes on protein structure and function (SIFT, PolyPhen-2, Align-GVGD) all suggest that this variant is likely to be tolerated. This variant has not been reported in the literature in individuals affected with CNTNAP1-related conditions. This variant is not present in population databases (gnomAD no frequency). This sequence change replaces proline, which is neutral and non-polar, with serine, which is neutral and polar, at codon 1270 of the CNTNAP1 protein (p.Pro1270Ser).